The following continues an entry in ClinVar:

NM_007294.4(BRCA1):c.676del (p.Cys226fs)

Gene: BRCA1. ClinVar aggregate classification (germline): Pathogenic. Pathogenic (1).

Submissions 10 to 22 of 22:

Color Diagnostics, LLC DBA Color Health
Classification: Pathogenic for Hereditary cancer-predisposing syndrome. Last evaluated: 2021-08-31. Review status: criteria provided, single submitter. Criteria: ACMG Guidelines, 2015. Collection method: clinical testing. Allele origin: germline. Not counted in ClinVar's aggregate classification.
Comment: This variant deletes 1 nucleotide in exon 10 of the BRCA1 gene, creating a frameshift and premature translation stop signal. This variant is expected to result in an absent or non-functional protein product. To our knowledge, functional studies have not been reported for this variant. This variant has been reported in at least fifteen individuals and additional families affected with breast and/or ovarian cancer (PMID: 9042907, 12491499, 15146557, 19818148, 22366370, 23772696, 24549055, 26745875, 26852130, 33670479), and haplotype analysis suggests that this may be a founder mutation in hereditary breast and ovarian cancer families of Italian ancestry (PMID: 26852130). This variant has not been identified in the general population by the Genome Aggregation Database (gnomAD). Loss of BRCA1 function is a known mechanism of disease. Based on the available evidence, this variant is classified as Pathogenic.

Sema4
Classification: Pathogenic for Hereditary cancer-predisposing syndrome. Last evaluated: 2021-07-29. Review status: criteria provided, single submitter. Criteria: Sema4 Curation Guidelines. Collection method: curation. Allele origin: germline. Not counted in ClinVar's aggregate classification.
Comment: The BRCA1 c.676delT (p.C226VfsX8) variant has been reported in multiple individuals with hereditary breast and ovarian cancer syndrome (PMID: 22366370, 26852130, 16267036). A haplotype analysis suggested the variant to be a founder variant in the Northern Italian population (PMID 26852130). It is also known as c.795delT in the literature. This variant causes a frameshift at amino acid 226 that results in premature termination 8 amino acids downstream. At this location, this is predicted to cause nonsense-mediated decay and result in an absent protein (loss of function). Loss of function variants in BRCA1 are known to be pathogenic (PMID: 29446198). This variant is not reported in the population database Genome Aggregation Database (PMID: 32461654). The variant has been reported in ClinVar (Variation ID 37693). Based on the current evidence available, this variant is interpreted as pathogenic.

Department of Molecular Diagnostics, Institute of Oncology Ljubljana
Classification: Pathogenic for Breast-ovarian cancer, familial, susceptibility to, 1. Last evaluated: 2020-04-02. Review status: criteria provided, single submitter. Criteria: ACMG Guidelines, 2015. Collection method: clinical testing. Allele origin: germline. Affected: yes. Not counted in ClinVar's aggregate classification.

ARUP Laboratories, Molecular Genetics and Genomics, ARUP Laboratories
Classification: Pathogenic. Last evaluated: 2019-07-01. Review status: criteria provided, single submitter. Criteria: ARUP Molecular Germline Variant Investigation Process. Collection method: clinical testing. Allele origin: germline. Not counted in ClinVar's aggregate classification.
Comment: The BRCA1 c.676delT; p.Cys226fs variant (rs80357941), also known as 795delT or 794delT, is reported in the literature in numerous individuals with a personal or family history of breast and/or ovarian cancer (Azzollini 2016, Cini 2016, Gorski 2004, Kluz 2018, Levanat 2012, Serova 1997, Singer 2014). This variant is absent from general population databases (Exome Variant Server, Genome Aggregation Database), indicating it is not a common polymorphism, and it is reported as pathogenic by multiple laboratories in ClinVar (Variation ID: 37693). Haplotype analysis indicates this variant may be a founder variant in northeastern Italy (Cini 2016). This variant causes a frameshift by deleting a single nucleotide, so it is predicted to result in a truncated protein or mRNA subject to nonsense-mediated decay. Based on available information, this variant is considered to be pathogenic. References: Azzollini J et al. Mutation detection rates associated with specific selection criteria for BRCA1/2 testing in 1854 high-risk families: A monocentric Italian study. Eur J Intern Med. 2016 Jul;32:65-71. Cini G et al. Tracking of the origin of recurrent mutations of the BRCA1 and BRCA2 genes in the North-East of Italy and improved mutation analysis strategy. BMC Med Genet. 2016 Feb 6;17:11. Gorski B et al. A high proportion of founder BRCA1 mutations in Polish breast cancer families. Int J Cancer. 2004 Jul 10;110(5):683-6. Kluz T et al. Frequency of BRCA1 and BRCA2 causative founder variants in ovarian cancer patients in South-East Poland. Hered Cancer Clin Pract. 2018 Feb 27;16:6. Levanat S et al. Three novel BRCA1/BRCA2 mutations in breast/ovarian cancer families in Croatia. Gene. 2012 May 1;498(2):169-76. Serova OM et al. Mutations in BRCA1 and BRCA2 in breast cancer families: are there more breast cancer-susceptibility genes? Am J Hum Genet. 1997 Mar;60(3):486-95. Singer CF et al. Clinical implications of genetic testing for BRCA1 and BRCA2 mutations in Austria. Clin Genet. 2014 Jan;85(1):72-5.

Centre for Mendelian Genomics, University Medical Centre Ljubljana
Classification: Pathogenic for Familial cancer of breast. Last evaluated: 2016-01-01. Review status: criteria provided, single submitter. Criteria: ACMG Guidelines, 2015. Collection method: clinical testing. Allele origin: unknown. Affected: yes. Not counted in ClinVar's aggregate classification.
Comment: This variant was classified as: Pathogenic.

Consortium of Investigators of Modifiers of BRCA1/2 (CIMBA), c/o University of Cambridge
Classification: Pathogenic for Breast-ovarian cancer, familial, susceptibility to, 1. Last evaluated: 2015-10-02. Review status: criteria provided, single submitter. Criteria: CIMBA Mutation Classification guidelines May 2016. Collection method: clinical testing. Allele origin: germline. Not counted in ClinVar's aggregate classification.

Genesis Genomics
Classification: Pathogenic for Breast-ovarian cancer, familial, susceptibility to, 1. Review status: criteria provided, single submitter. Criteria: ACMG Guidelines, 2015. Collection method: clinical testing. Allele origin: germline. Affected: yes. Observed: 1 variant allele. Not counted in ClinVar's aggregate classification.

Institute of Human Genetics, Medical University Innsbruck
Classification: Pathogenic for Breast-ovarian cancer, familial 1. Last evaluated: 2015-02-11. Review status: no assertion criteria provided. Criteria: clinical testing. Collection method: clinical testing. Allele origin: germline. Affected: yes. Study: BRCA-Tyrol. Not counted in ClinVar's aggregate classification.
Comment: BRCA-mutation spectrum Western Austria

Foulkes Cancer Genetics LDI, Lady Davis Institute for Medical Research
Classification: Pathogenic for Breast and/or ovarian cancer. Last evaluated: 2014-05-05. Review status: no assertion criteria provided. Collection method: clinical testing. Allele origin: germline. Study: The Canadian Open Genetics Repository (COGR). Not counted in ClinVar's aggregate classification.

Research Molecular Genetics Laboratory, Women's College Hospital, University of Toronto
Classification: Pathogenic for Hereditary breast ovarian cancer syndrome. Last evaluated: 2014-01-31. Review status: no assertion criteria provided. Collection method: research. Allele origin: germline. Affected: yes. Study: The Canadian Open Genetics Repository (COGR). Not counted in ClinVar's aggregate classification.

Sharing Clinical Reports Project (SCRP)
Classification: Pathogenic for Breast-ovarian cancer, familial 1. Last evaluated: 2013-03-19. Review status: no assertion criteria provided. Collection method: clinical testing. Allele origin: germline. Not counted in ClinVar's aggregate classification.

Breast Cancer Information Core (BIC) (BRCA1)
Classification: Pathogenic for Breast-ovarian cancer, familial 1. Last evaluated: 2002-05-29. Review status: no assertion criteria provided. Collection method: clinical testing. Allele origin: germline. Affected: yes. Observed: 17 variant alleles. Not counted in ClinVar's aggregate classification.

Department of Pathology and Laboratory Medicine, Sinai Health System
Classification: Pathogenic for Malignant tumor of breast. Review status: no assertion criteria provided. Collection method: clinical testing. Allele origin: unknown. Affected: yes. Study: The Canadian Open Genetics Repository (COGR). Not counted in ClinVar's aggregate classification.
Comment: The BRCA1 p.Cys226ValfsX8 variant was identified in 8 of 1326 proband chromosomes (frequency: 0.006) from individuals or families with breast or ovarian cancer, and was not identified in 242 control chromosomes from healthy individuals (Adem 2003, Maurac 2012, Miolo 2009, Serova 1997, Singer 2014). The variant was also identified in dbSNP (ID: rs80357941) â€šÃ„ÃºWith Pathogenic allele, ClinVar database (submitted by Sharing Clinical Reports Project; classified as pathogenic (derived from Myriad reports)), the BIC database (16X with clinical importance), and UMD (2X as a causal variant). In a study by Maurac (2012), a patient with the variant showed loss of heterozygosity of the wildtype allele and presence of the mutated allele in tumour tissue. The p.Cys226ValfsX8 deletion variant is predicted to cause a frameshift, which alters the protein's amino acid sequence beginning at codon 226 and leads to a premature stop codon 8 codons downstream. This alteration is then predicted to result in a truncated or absent protein and loss of function. Loss of function variants of the BRCA1 gene are an established mechanism of disease in hereditary breast and ovarian cancer and is the type of variant expected to cause the disorder. In summary, based on the above information, this variant meets our laboratoryâ€šÃ„Ã´s criteria to be classified as pathogenic.

Literature cited by the submitters: PubMed 20104584 (cited by Labcorp Genetics (formerly Invitae), Labcorp); PubMed 9042907 (cited by 5 submitters); PubMed 15146557 (cited by 4 submitters); PubMed 16287141 (cited by Labcorp Genetics (formerly Invitae), Labcorp and Quest Diagnostics Nichols Institute San Juan Capistrano); PubMed 22366370 (cited by 4 submitters); PubMed 22498944 (cited by Labcorp Genetics (formerly Invitae), Labcorp and Ambry Genetics); PubMed 24549055 (cited by 3 submitters); PubMed 26745875 (cited by 3 submitters); PubMed 26852130 (cited by 4 submitters); PubMed 19818148 (cited by 3 submitters); PubMed 33888336 (cited by Ambry Genetics and Quest Diagnostics Nichols Institute San Juan Capistrano); PubMed 29446198 (cited by Quest Diagnostics Nichols Institute San Juan Capistrano and Sema4); PubMed 16267036 (cited by 3 submitters); PubMed 35382848 (cited by Quest Diagnostics Nichols Institute San Juan Capistrano); PubMed 26295337 (cited by Quest Diagnostics Nichols Institute San Juan Capistrano); PubMed 12491499 (cited by Color Diagnostics, LLC DBA Color Health); PubMed 23772696 (cited by Color Diagnostics, LLC DBA Color Health); PubMed 33670479 (cited by Color Diagnostics, LLC DBA Color Health).